The following is an entry in ClinVar:

ClinVar aggregate classification (germline): Uncertain significance (1 of 4 stars; one submission).

Conditions:
Short-rib thoracic dysplasia 6 with or without polydactyly (SRTD6). Also called: POLYDACTYLY WITH NEONATAL CHONDRODYSTROPHY, TYPE II; SHORT-RIB THORACIC DYSPLASIA 6 WITH POLYDACTYLY; SHORT-RIB THORACIC DYSPLASIA 6 WITHOUT POLYDACTYLY; Majewski Syndrome; SHORT RIB-POLYDACTYLY SYNDROME, TYPE IIA. Identifiers: MedGen C0024507, MONDO:0009894, OMIM 263520.

Allele frequency attached by ClinVar (database versions not stated): gnomAD 0.00001; TOPMed 0.00001.
gnomAD v4.1: 4 of 1,587,980 alleles (0.00025%); highest among the groups gnomAD compares: South Asian, 0.0012%; no homozygotes.

Submission:

Labcorp Genetics (formerly Invitae), Labcorp
Classification: Uncertain significance for Short-rib thoracic dysplasia 6 with or without polydactyly. Last evaluated: 2022-06-28. Review status: criteria provided, single submitter. Criteria: Invitae Variant Classification Sherloc (09022015). Collection method: clinical testing. Allele origin: germline.
Comment: This sequence change replaces arginine, which is basic and polar, with cysteine, which is neutral and slightly polar, at codon 580 of the NEK1 protein (p.Arg580Cys). The frequency data for this variant in the population databases is considered unreliable, as metrics indicate poor data quality at this position in the gnomAD database. This variant has not been reported in the literature in individuals affected with NEK1-related conditions. Algorithms developed to predict the effect of missense changes on protein structure and function (SIFT, PolyPhen-2, Align-GVGD) all suggest that this variant is likely to be disruptive. In summary, the available evidence is currently insufficient to determine the role of this variant in disease. Therefore, it has been classified as a Variant of Uncertain Significance.

NM_001199397.3(NEK1):c.1822C>T (p.Arg608Cys)

Gene: NEK1 (NIMA related kinase 1; minus strand). Cytogenetic location: 4q33.
Variant type: single nucleotide variant.
Coding change: c.1822C>T on transcript NM_001199397.3 (MANE Select); coding-DNA position 1822, C replaced by T.
Protein change: p.Arg608Cys; replaces arginine 608 with cysteine.
Molecular consequence: missense variant. On other transcripts: non-coding transcript variant (1).
Genome position (GRCh38, 1-based): chr4:169,508,259, G>A on the plus strand (C>T on the coding strand, the complement: NEK1 is on the minus strand). VCF-style: chr4-169508259-G-A. GRCh37 (hg19) VCF-style: chr4-170429410-G-A.
Other names: c.1690C>T, p.Arg564Cys (NM_001199398.3); c.1531C>T, p.Arg511Cys (NM_001199399.3); c.1606C>T, p.Arg536Cys (NM_001199400.3); c.1822C>T, p.Arg608Cys (NM_001374418.1); c.1738C>T, p.Arg580Cys (NM_001374419.1, NM_012224.4); c.1687C>T, p.Arg563Cys (NM_001374420.1); c.1612C>T, p.Arg538Cys (NM_001374421.1); short protein forms R538C, R563C, R511C, R536C, R564C, R608C, R580C.
Identifiers: ClinVar variation 1413846 (VCV001413846.6), dbSNP rs749461218, ClinGen allele CA3137629.
Genomic context (GRCh38, chr4:169,508,259, plus strand): 5'-CTACTATGACATCATTCAATTTCTTCAAAAAAATAGCTTTTCAACCTACCTTTTCACCAC[G>A]AAGTTTGGCTTTAATCTGTTGGCGCTCATTGAAATTCTGTAGTCTTATTTGCCTCAGTCT-3'
Protein context (NP_001186326.1, residues 598-618): NERQQIKAKL[Arg608Cys]GEKKEANHSE